The following is an entry in ClinVar:

NM_000059.4(BRCA2):c.2091dup (p.Leu698fs)

Gene: BRCA2 (BRCA2 DNA repair associated; plus strand). Cytogenetic location: 13q13.1.
Variant type: Duplication.
Coding change: c.2091dup on transcript NM_000059.4 (MANE Select); coding-DNA position 2091, one base duplicated (A; older notation c.2091dupA).
Protein change: p.Leu698fs; shifts the reading frame from leucine 698.
Molecular consequence: frameshift variant.
Genome position (GRCh38, 1-based): chr13:32,336,446, A duplicated; the last of 5 consecutive A bases (chr13:32,336,442-32,336,446); duplicating any one gives the same sequence. VCF-style (leftmost placement, unchanged base first): chr13-32336441-G-GA. GRCh37 (hg19) VCF-style: chr13-32910578-G-GA.
Other names: 2319insA; c.2091dupA (NM_000059.3); short protein forms L698fs.
Identifiers: ClinVar variation 96776 (VCV000096776.6), dbSNP rs431825292, ClinGen allele CA014300.
Genomic context (GRCh38, chr13:32,336,441, plus strand): 5'-TGTTCTAATAATACAGTAATCTCTCAGGATCTTGATTATAAAGAAGCAAAATGTAATAAG[G>GA]AAAAACTACAGTTATTTATTACCCCAGAAGCTGATTCTCTGTCATGCCTGCAGGAAGGAC-3'

ClinVar aggregate classification (germline): Pathogenic. Review status: reviewed by expert panel (3 of 4 stars). 5 submissions from 5 submitters: Pathogenic (1). 4 of the submissions do not count toward it. Last evaluated 2016-09-08.

Conditions:
Hereditary cancer-predisposing syndrome. Also called: Hereditary Cancer Syndrome; Neoplastic Syndromes, Hereditary; Hereditary neoplastic syndrome; Tumor predisposition. Identifiers: Orphanet 140162, MedGen C0027672, MeSH D009386, MONDO:0015356.
Breast-ovarian cancer, familial, susceptibility to, 2 (BROVCA2). Also called: BRCA2 Hereditary Breast and Ovarian Cancer. Identifiers: Orphanet 145, MedGen C2675520, MONDO:0012933, OMIM 612555. Disease mechanism: loss of function.

Submissions (5):

Evidence-based Network for the Interpretation of Germline Mutant Alleles (ENIGMA)
Classification: Pathogenic for Breast-ovarian cancer, familial, susceptibility to, 2. Last evaluated: 2016-09-08. Review status: reviewed by expert panel. Criteria: ENIGMA BRCA1/2 Classification Criteria (2015). Collection method: curation. Allele origin: germline.
Comment: Variant allele predicted to encode a truncated non-functional protein.

Ambry Genetics
Classification: Pathogenic for Hereditary cancer-predisposing syndrome. Last evaluated: 2023-12-26. Review status: criteria provided, single submitter. Criteria: Ambry Variant Classification Scheme 2023. Collection method: clinical testing. Allele origin: germline. Not counted in ClinVar's aggregate classification.
Comment: The c.2091dupA pathogenic mutation, located in coding exon 10 of the BRCA2 gene, results from a duplication of A at nucleotide position 2091, causing a translational frameshift with a predicted alternate stop codon (p.L698Tfs*10). This variant is considered to be rare based on population cohorts in the Genome Aggregation Database (gnomAD). This alteration is expected to result in loss of function by premature protein truncation or nonsense-mediated mRNA decay. As such, this alteration is interpreted as a disease-causing mutation.

Color Diagnostics, LLC DBA Color Health
Classification: Pathogenic for Hereditary cancer-predisposing syndrome. Last evaluated: 2021-01-12. Review status: criteria provided, single submitter. Criteria: ACMG Guidelines, 2015. Collection method: clinical testing. Allele origin: germline. Not counted in ClinVar's aggregate classification.
Comment: This variant inserts 1 nucleotide in exon 11 of the BRCA2 gene, creating a frameshift and premature translation stop signal. This variant is expected to result in an absent or non-functional protein product. To our knowledge, functional studies have not been reported for this variant. This variant has been reported in individuals affected with breast cancer (PMID: 32614418). This variant has not been identified in the general population by the Genome Aggregation Database (gnomAD). Loss of BRCA2 function is a known mechanism of disease. Based on the available evidence, this variant is classified as Pathogenic.

Consortium of Investigators of Modifiers of BRCA1/2 (CIMBA), c/o University of Cambridge
Classification: Pathogenic for Breast-ovarian cancer, familial, susceptibility to, 2. Last evaluated: 2015-10-02. Review status: criteria provided, single submitter. Criteria: CIMBA Mutation Classification guidelines May 2016. Collection method: clinical testing. Allele origin: germline. Not counted in ClinVar's aggregate classification.

Sharing Clinical Reports Project (SCRP)
Classification: Pathogenic for Breast-ovarian cancer, familial 2. Last evaluated: 2009-08-07. Review status: no assertion criteria provided. Collection method: clinical testing. Allele origin: germline. Not counted in ClinVar's aggregate classification.